The following is an entry in ClinVar:

ClinVar aggregate classification (germline): Benign. Review status: criteria provided, multiple submitters, no conflicts (2 of 4 stars). 9 submissions from 8 submitters: Benign (9). Last evaluated 2026-02-04.

Conditions:
Glucocorticoid-remediable aldosteronism. Also called: Hyperaldosteronism, familial, type I; FH I; GLUCOCORTICOID-SUPPRESSIBLE HYPERALDOSTERONISM; ACTH-DEPENDENT HYPERALDOSTERONISM SYNDROME; ALDOSTERONISM, SENSITIVE TO DEXAMETHASONE. Identifiers: Orphanet 403, MedGen C3838731, MONDO:0007080, OMIM 103900.
Deficiency of steroid 11-beta-monooxygenase (CYP11B1). Also called: Congenital adrenal hyperplasia due to 11-beta-hydroxylase deficiency; ADRENAL HYPERPLASIA, CONGENITAL, DUE TO STEROID 11-BETA-HYDROXYLASE DEFICIENCY; 11-BETA-HYDROXYLASE DEFICIENCY; P450C11B1 DEFICIENCY; STEROID 11-BETA-HYDROXYLASE DEFICIENCY; ADRENAL HYPERPLASIA IV. Identifiers: Orphanet 90795, MedGen C0268292, MONDO:0008729, OMIM 202010. Disease mechanism: loss of function.

Allele frequency attached by ClinVar (database versions not stated): gnomAD exomes 0.03616 and 0.05358; ExAC 0.05787; gnomAD 0.08600 and 0.08763; ESP Exome Variant Server 0.08696; TOPMed 0.09357; 1000 Genomes Project 0.11362; 1000 Genomes Project 30x 0.11493.
gnomAD v4.1: 66,617 of 1,612,086 alleles (4.1%); highest among the groups gnomAD compares: African/African-American, 22%; 3,002 homozygotes.

Submissions (9):

Labcorp Genetics (formerly Invitae), Labcorp
Classification: Benign. Last evaluated: 2026-02-04. Review status: criteria provided, single submitter. Criteria: Invitae Variant Classification Sherloc (09022015). Collection method: clinical testing. Allele origin: germline.

Blueprint Genetics
Classification: Benign. Last evaluated: 2024-11-27. Review status: criteria provided, single submitter. Criteria: ACMG Guidelines, 2015. Collection method: clinical testing. Allele origin: germline.

Mayo Clinic Laboratories, Mayo Clinic
Classification: Benign. Last evaluated: 2022-03-09. Review status: criteria provided, single submitter. Criteria: ACMG Guidelines, 2015. Collection method: clinical testing. Allele origin: germline. Observed: 45 variant alleles.

Department of Human Genetics, Laborarztpraxis Dres. Walther, Weindel und Kollegen
Classification: Benign for Deficiency of steroid 11-beta-monooxygenase. Last evaluated: 2020-04-20. Review status: criteria provided, single submitter. Criteria: ACMG Guidelines, 2015. Collection method: clinical testing. Allele origin: germline. Affected: yes.
Comment: This variant is classified as benign because the population frequency is too high to be a pathogenic mutation (>= 5%).

GeneDx
Classification: Benign. Last evaluated: 2019-11-25. Review status: criteria provided, single submitter. Criteria: GeneDx Variant Classification Process June 2021. Collection method: clinical testing. Allele origin: germline. Affected: yes.

Illumina Laboratory Services, Illumina
Classification: Benign for Glucocorticoid-remediable aldosteronism. Last evaluated: 2018-01-13. Review status: criteria provided, single submitter. Criteria: ICSL Variant Classification Criteria 13 December 2019. Collection method: clinical testing. Allele origin: germline.
Comment: This variant was observed in the ICSL laboratory as part of a predisposition screen in an ostensibly healthy population. It had not been previously curated by ICSL or reported in the Human Gene Mutation Database (HGMD: prior to June 1st, 2018), and was therefore a candidate for classification through an automated scoring system. Utilizing variant allele frequency, disease prevalence and penetrance estimates, and inheritance mode, an automated score was calculated to assess if this variant is too frequent to cause the disease. Based on the score and internal cut-off values, a variant classified as benign is not then subjected to further curation. The score for this variant resulted in a classification of benign for this disease.

Illumina Laboratory Services, Illumina
Classification: Benign for Deficiency of steroid 11-beta-monooxygenase. Last evaluated: 2018-01-13. Review status: criteria provided, single submitter. Criteria: ICSL Variant Classification Criteria 13 December 2019. Collection method: clinical testing. Allele origin: germline.
Comment: the same text as in the submission from Illumina Laboratory Services, Illumina above.

Athena Diagnostics
Classification: Benign. Last evaluated: 2017-07-12. Review status: criteria provided, single submitter. Criteria: Athena Diagnostics Criteria. Collection method: clinical testing. Allele origin: germline.

Breakthrough Genomics
Classification: Benign. Review status: criteria provided, single submitter. Criteria: ACMG Guidelines, 2015. Collection method: not provided. Allele origin: germline. Inheritance: Autosomal recessive inheritance. Affected: yes.

NM_000497.4(CYP11B1):c.873G>A (p.Ala291=)

Genes: CYP11B1 (cytochrome P450 family 11 subfamily B member 1; minus strand), LOC106799833 (CYP11B1 recombination region; plus strand). Cytogenetic location: 8q24.3.
Variant type: single nucleotide variant.
Coding change: c.873G>A on transcript NM_000497.4 (MANE Select); coding-DNA position 873, G replaced by A.
Protein change: p.Ala291=; no amino-acid change (alanine 291 retained).
Molecular consequence: synonymous variant.
Genome position (GRCh38, 1-based): chr8:142,876,322, C>T on the plus strand (G>A on the coding strand, the complement: CYP11B1 is on the minus strand). VCF-style: chr8-142876322-C-T. GRCh37 (hg19) VCF-style: chr8-143957738-C-T.
Other names: p.Ala291=; c.873G>A, p.Ala291= (NM_001026213.1).
Identifiers: ClinVar variation 362157 (VCV000362157.23), dbSNP rs34570566, ClinGen allele CA4905272.